The following is an entry in ClinVar:

NM_006265.3(RAD21):c.1621-12A>T

Gene: RAD21 (RAD21 cohesin complex component; minus strand). Cytogenetic location: 8q24.11.
Variant type: single nucleotide variant.
Coding change: c.1621-12A>T on transcript NM_006265.3 (MANE Select); 12 bases into the intron before coding-DNA position 1621, A replaced by T.
Molecular consequence: intron variant.
Genome position (GRCh38, 1-based): chr8:116,849,041, T>A on the plus strand (A>T on the coding strand, the complement: RAD21 is on the minus strand). VCF-style: chr8-116849041-T-A. GRCh37 (hg19) VCF-style: chr8-117861280-T-A.
Identifiers: ClinVar variation 1901755 (VCV001901755.5), dbSNP rs1812300410, ClinGen allele CA1813523370.
Genomic context (GRCh38, chr8:116,849,041, plus strand): 5'-TCCATCTTCTTTCTTCCTGATCTTGATCGCCCCCTGATGCATCTTCATCCTGAATAAAAA[T>A]GACCCCCAAAAAGCTGACAAAACAAGTCCAATGAAAAATGAAGTATTTCTACATCTCCTA-3'

ClinVar aggregate classification (germline): Uncertain significance (1 of 4 stars; one submission).

Conditions:
Cornelia de Lange syndrome 4 (CDLS4). Also called: RAD21-Related Cornelia de Lange Syndrome; CORNELIA DE LANGE SYNDROME 4 WITH OR WITHOUT MIDLINE BRAIN DEFECTS. Identifiers: Orphanet 199, MedGen C3553517, MONDO:0013864, OMIM 614701.

gnomAD v4.1: 2 of 1,561,300 alleles (0.00013%); highest among the groups gnomAD compares: Admixed American, 0.0039%; no homozygotes.

Submission:

Labcorp Genetics (formerly Invitae), Labcorp
Classification: Uncertain significance for Cornelia de Lange syndrome 4. Last evaluated: 2022-09-06. Review status: criteria provided, single submitter. Criteria: Invitae Variant Classification Sherloc (09022015). Collection method: clinical testing. Allele origin: germline.
Comment: In summary, the available evidence is currently insufficient to determine the role of this variant in disease. Therefore, it has been classified as a Variant of Uncertain Significance. Algorithms developed to predict the effect of sequence changes on RNA splicing suggest that this variant may disrupt the consensus splice site. This variant has not been reported in the literature in individuals affected with RAD21-related conditions. This variant is not present in population databases (gnomAD no frequency). This sequence change falls in intron 12 of the RAD21 gene. It does not directly change the encoded amino acid sequence of the RAD21 protein.